The following is an entry in ClinVar:

NM_004568.6(SERPINB6):c.71C>T (p.Ser24Leu)

Gene: SERPINB6 (serpin family B member 6; minus strand). Cytogenetic location: 6p25.2.
Variant type: single nucleotide variant.
Coding change: c.71C>T on transcript NM_004568.6 (MANE Select); coding-DNA position 71, C replaced by T.
Protein change: p.Ser24Leu; replaces serine 24 with leucine.
Molecular consequence: missense variant. On other transcripts: non-coding transcript variant (1), intron variant (1).
Genome position (GRCh38, 1-based): chr6:2,959,262, G>A on the plus strand (C>T on the coding strand, the complement: SERPINB6 is on the minus strand). VCF-style: chr6-2959262-G-A. GRCh37 (hg19) VCF-style: chr6-2959496-G-A.
Other names: c.83C>T, p.Ser28Leu (NM_001195291.3, NM_001374515.1); c.113C>T, p.Ser38Leu (NM_001271822.2); c.128C>T, p.Ser43Leu (NM_001271823.2); c.71C>T, p.Ser24Leu (NM_001271824.2, NM_001271825.2, NM_001297699.2 and 2 more transcripts); c.34-3592C>T (NM_001374517.1); short protein forms S24L, S28L, S38L, S43L.
Identifiers: ClinVar variation 1700962 (VCV001700962.3), dbSNP rs145375367, ClinGen allele CA3617660.

ClinVar aggregate classification (germline): Uncertain significance. Review status: criteria provided, multiple submitters, no conflicts (2 of 4 stars). 2 submissions from 2 submitters: Uncertain significance (2). Last evaluated 2025-10-15.

Allele frequency attached by ClinVar (database versions not stated): ESP Exome Variant Server 0.00008; gnomAD 0.00006; TOPMed 0.00006.
gnomAD v4.1: 45 of 1,614,022 alleles (0.0028%); highest among the groups gnomAD compares: Non-Finnish European, 0.0036%; no homozygotes.

Submissions (2):

Ambry Genetics
Classification: Uncertain significance. Last evaluated: 2025-10-15. Review status: criteria provided, single submitter. Criteria: Ambry Variant Classification Scheme 2023. Collection method: clinical testing. Allele origin: germline.

GeneDx
Classification: Uncertain significance. Last evaluated: 2022-02-14. Review status: criteria provided, single submitter. Criteria: GeneDx Variant Classification Process June 2021. Collection method: clinical testing. Allele origin: germline. Affected: yes.
Comment: In silico analysis supports that this missense variant has a deleterious effect on protein structure/function; Has not been previously published as pathogenic or benign to our knowledge